The following is an entry in ClinVar:

ClinVar aggregate classification (germline): Uncertain significance. Review status: criteria provided, multiple submitters, no conflicts (2 of 4 stars). 2 submissions from 2 submitters: Uncertain significance (2). Last evaluated 2025-04-15.

gnomAD v4.1: 23 of 1,613,948 alleles (0.0014%); highest among the groups gnomAD compares: Admixed American, 0.01%; no homozygotes.

Submissions (2):

Labcorp Genetics (formerly Invitae), Labcorp
Classification: Uncertain significance. Last evaluated: 2025-04-15. Review status: criteria provided, single submitter. Criteria: Invitae Variant Classification Sherloc (09022015). Collection method: clinical testing. Allele origin: germline.
Comment: This sequence change replaces alanine, which is neutral and non-polar, with proline, which is neutral and non-polar, at codon 521 of the ANK1 protein (p.Ala521Pro). This variant is present in population databases (no rsID available, gnomAD 0.009%). This variant has not been reported in the literature in individuals affected with ANK1-related conditions. Invitae Evidence Modeling of protein sequence and biophysical properties (such as structural, functional, and spatial information, amino acid conservation, physicochemical variation, residue mobility, and thermodynamic stability) indicates that this missense variant is not expected to disrupt ANK1 protein function with a negative predictive value of 80%. In summary, the available evidence is currently insufficient to determine the role of this variant in disease. Therefore, it has been classified as a Variant of Uncertain Significance.

Blueprint Genetics
Classification: Uncertain significance. Last evaluated: 2023-04-13. Review status: criteria provided, single submitter. Criteria: ACMG Guidelines, 2015. Collection method: clinical testing. Allele origin: germline.

NM_000037.4(ANK1):c.1561G>C (p.Ala521Pro)

Gene: ANK1 (ankyrin 1; minus strand). Cytogenetic location: 8p11.21.
Variant type: single nucleotide variant.
Coding change: c.1561G>C on transcript NM_000037.4 (MANE Select); coding-DNA position 1561, G replaced by C.
Protein change: p.Ala521Pro; replaces alanine 521 with proline.
Molecular consequence: missense variant.
Genome position (GRCh38, 1-based): chr8:41,715,693, C>G on the plus strand (G>C on the coding strand, the complement: ANK1 is on the minus strand). VCF-style: chr8-41715693-C-G. GRCh37 (hg19) VCF-style: chr8-41573211-C-G.
Other names: c.1660G>C, p.Ala554Pro (NM_001142446.2); c.1561G>C, p.Ala521Pro (NM_020475.3, NM_020476.3, NM_020477.3); short protein forms A521P, A554P.
Identifiers: ClinVar variation 4749202 (VCV004749202.2).